The following is an entry in ClinVar:

NM_000135.4(FANCA):c.3067-4T>C

Gene: FANCA (FA complementation group A; minus strand). Cytogenetic location: 16q24.3.
Variant type: single nucleotide variant.
Coding change: c.3067-4T>C on transcript NM_000135.4 (MANE Select); 4 bases into the intron before coding-DNA position 3067, T replaced by C.
Molecular consequence: intron variant.
Genome position (GRCh38, 1-based): chr16:89,749,906, A>G on the plus strand (T>C on the coding strand, the complement: FANCA is on the minus strand). VCF-style: chr16-89749906-A-G. GRCh37 (hg19) VCF-style: chr16-89816314-A-G.
Other names: p.?; c.3067-4T>C (LRG_495t1, NM_001286167.3, NM_000135.3).
Identifiers: ClinVar variation 255253 (VCV000255253.36), dbSNP rs17227064, ClinGen allele CA8251343.

ClinVar aggregate classification (germline): Benign/Likely benign. Review status: criteria provided, multiple submitters, no conflicts (2 of 4 stars). 13 submissions from 13 submitters: Benign (11); Likely benign (1). 1 of the submissions does not count toward it. Last evaluated 2026-06-26.

Conditions:
Fanconi anemia (FA). Also called: Fanconi's anemia. Identifiers: Orphanet 84, MedGen C0015625, MeSH D005199, MONDO:0019391.
Fanconi anemia complementation group A (FANCA). Also called: Fanconi anemia, group A; FANCA-Related Fanconi Anemia. Identifiers: Orphanet 84, MedGen C3469521, MONDO:0009215, OMIM 227650.

Allele frequency attached by ClinVar (database versions not stated): TOPMed 0.05720; gnomAD 0.05860 and 0.05979; ESP Exome Variant Server 0.05879; ExAC 0.06524; gnomAD exomes 0.06661 and 0.07880; 1000 Genomes Project 30x 0.06746; 1000 Genomes Project 0.07169.
gnomAD v4.1: 124,454 of 1,613,692 alleles (7.7%); highest among the groups gnomAD compares: East Asian, 16%; 5,748 homozygotes.

Submissions (13):

Women's Health and Genetics/Laboratory Corporation of America, LabCorp
Classification: Benign. Last evaluated: 2026-06-26. Review status: criteria provided, single submitter. Criteria: LabCorp Variant Classification Summary - May 2015. Collection method: clinical testing. Allele origin: germline.

Labcorp Genetics (formerly Invitae), Labcorp
Classification: Benign for Fanconi anemia. Last evaluated: 2026-02-04. Review status: criteria provided, single submitter. Criteria: Invitae Variant Classification Sherloc (09022015). Collection method: clinical testing. Allele origin: germline.

ARUP Laboratories, Molecular Genetics and Genomics, ARUP Laboratories
Classification: Benign for Fanconi anemia complementation group A. Last evaluated: 2025-07-28. Review status: criteria provided, single submitter. Criteria: ARUP Molecular Germline Variant Investigation Process 2024. Collection method: clinical testing. Allele origin: germline.

GeneKor MSA
Classification: Benign for Fanconi anemia complementation group A. Last evaluated: 2025-07-10. Review status: criteria provided, single submitter. Criteria: ACMG Guidelines, 2015. Collection method: clinical testing. Allele origin: germline.

Blueprint Genetics
Classification: Likely benign. Last evaluated: 2024-11-27. Review status: criteria provided, single submitter. Criteria: ACMG Guidelines, 2015. Collection method: clinical testing. Allele origin: germline.

KCCC/NGS Laboratory, Kuwait Cancer Control Center
Classification: Benign for Fanconi anemia complementation group A. Last evaluated: 2023-07-07. Review status: criteria provided, single submitter. Criteria: ACMG Guidelines, 2015. Collection method: clinical testing. Allele origin: germline. Affected: yes.

Mayo Clinic Laboratories, Mayo Clinic
Classification: Benign. Last evaluated: 2022-09-06. Review status: criteria provided, single submitter. Criteria: ACMG Guidelines, 2015. Collection method: clinical testing. Allele origin: germline. Observed: 189 variant alleles.

Fulgent Genetics
Classification: Benign for Fanconi anemia complementation group A. Last evaluated: 2021-07-29. Review status: criteria provided, single submitter. Criteria: ACMG Guidelines, 2015. Collection method: clinical testing. Allele origin: unknown.

GeneDx
Classification: Benign. Last evaluated: 2019-02-06. Review status: criteria provided, single submitter. Criteria: GeneDx Variant Classification Process June 2021. Collection method: clinical testing. Allele origin: germline. Affected: yes.

Illumina Laboratory Services, Illumina
Classification: Benign for Fanconi anemia complementation group A. Last evaluated: 2018-01-13. Review status: criteria provided, single submitter. Criteria: ICSL Variant Classification Criteria 13 December 2019. Collection method: clinical testing. Allele origin: germline.
Comment: This variant was observed in the ICSL laboratory as part of a predisposition screen in an ostensibly healthy population. It had not been previously curated by ICSL or reported in the Human Gene Mutation Database (HGMD: prior to June 1st, 2018), and was therefore a candidate for classification through an automated scoring system. Utilizing variant allele frequency, disease prevalence and penetrance estimates, and inheritance mode, an automated score was calculated to assess if this variant is too frequent to cause the disease. Based on the score and internal cut-off values, a variant classified as benign is not then subjected to further curation. The score for this variant resulted in a classification of benign for this disease.

Breakthrough Genomics
Classification: Benign. Review status: criteria provided, single submitter. Criteria: ACMG Guidelines, 2015. Collection method: not provided. Allele origin: germline. Inheritance: Autosomal recessive inheritance. Affected: yes.

PreventionGenetics, part of Exact Sciences
Classification: Benign. Review status: criteria provided, single submitter. Criteria: ACMG Guidelines, 2015. Collection method: clinical testing. Allele origin: germline.

Natera, Inc.
Classification: Benign for Fanconi anemia, group A. Last evaluated: 2020-09-16. Review status: no assertion criteria provided. Collection method: clinical testing. Allele origin: germline. Not counted in ClinVar's aggregate classification.